The following is an entry in ClinVar:

NM_001018115.3(FANCD2):c.3934C>T (p.Leu1312Phe)

Genes: FANCD2 (FA complementation group D2; plus strand), FANCD2OS (FANCD2 opposite strand; minus strand). Cytogenetic location: 3p25.3.
Variant type: single nucleotide variant.
Coding change: c.3934C>T on transcript NM_001018115.3 (MANE Select); coding-DNA position 3934, C replaced by T.
Protein change: p.Leu1312Phe; replaces leucine 1312 with phenylalanine.
Molecular consequence: missense variant. On other transcripts: intron variant (1).
Genome position (GRCh38, 1-based): chr3:10,094,334, C>T. VCF-style: chr3-10094334-C-T. GRCh37 (hg19) VCF-style: chr3-10136018-C-T.
Other names: c.3934C>T, p.Leu1312Phe (NM_001319984.2, NM_033084.6); c.3823C>T, p.Leu1275Phe (NM_001374253.1); c.3895C>T, p.Leu1299Phe (NM_001374254.1); c.*43+9864G>A (NM_173472.2); short protein forms L1275F, L1312F, L1299F.
Identifiers: ClinVar variation 1467086 (VCV001467086.8), dbSNP rs2125090749, ClinGen allele CA351756572.
Genomic context (GRCh38, chr3:10,094,334, plus strand): 5'-GTCTCTCTTCTTCAGTATGGGCGTCTCTTTGTGGAAGCATTTCTGAAGCAATGTATGCCG[C>T]TCCTAGACTTCAGTTTTAGAAAACACCGGGTAAGAGCTAAGAGCAGAGAACAAAGATATG-3'
Protein context (NP_001018125.1, residues 1302-1322): VEAFLKQCMP[Leu1312Phe]LDFSFRKHRE

ClinVar aggregate classification (germline): Uncertain significance (1 of 4 stars; one submission).

Conditions:
Fanconi anemia (FA). Also called: Fanconi's anemia. Identifiers: Orphanet 84, MedGen C0015625, MeSH D005199, MONDO:0019391.

Submission:

Labcorp Genetics (formerly Invitae), Labcorp
Classification: Uncertain significance for Fanconi anemia. Last evaluated: 2021-06-16. Review status: criteria provided, single submitter. Criteria: Invitae Variant Classification Sherloc (09022015). Collection method: clinical testing. Allele origin: germline.
Comment: In summary, the available evidence is currently insufficient to determine the role of this variant in disease. Therefore, it has been classified as a Variant of Uncertain Significance. Algorithms developed to predict the effect of missense changes on protein structure and function are either unavailable or do not agree on the potential impact of this missense change (SIFT: "Tolerated"; PolyPhen-2: "Probably Damaging"; Align-GVGD: "Class C0"). This variant has not been reported in the literature in individuals with FANCD2-related conditions. This variant is not present in population databases (ExAC no frequency). This sequence change replaces leucine with phenylalanine at codon 1312 of the FANCD2 protein (p.Leu1312Phe). The leucine residue is moderately conserved and there is a small physicochemical difference between leucine and phenylalanine.